The following is an entry in ClinVar:

ClinVar aggregate classification (germline): Uncertain significance (1 of 4 stars; one submission).

Conditions:
Spermatogenic failure 18. Identifiers: MedGen C4539783, MONDO:0054615, OMIM 617576.
Ciliary dyskinesia, primary, 37 (CILD37). Also called: CILIARY DYSKINESIA, PRIMARY, 37, WITH OR WITHOUT SITUS INVERSUS. Identifiers: MedGen C4539798, MONDO:0033204, OMIM 617577.

Allele frequency attached by ClinVar (database versions not stated): gnomAD exomes below 0.00001.
gnomAD v4.1: 2 of 1,612,088 alleles (0.00012%); highest among the groups gnomAD compares: Non-Finnish European, 0.00017%; no homozygotes.

Submission:

Labcorp Genetics (formerly Invitae), Labcorp
Classification: Uncertain significance for Ciliary dyskinesia, primary, 37; Spermatogenic failure 18. Last evaluated: 2023-12-06. Review status: criteria provided, single submitter. Criteria: Invitae Variant Classification Sherloc (09022015). Collection method: clinical testing. Allele origin: germline.
Comment: This sequence change replaces aspartic acid, which is acidic and polar, with glycine, which is neutral and non-polar, at codon 2324 of the DNAH1 protein (p.Asp2324Gly). This variant is not present in population databases (gnomAD no frequency). This missense change has been observed in individual(s) with clinical features of DNAH1-related conditions (Invitae). ClinVar contains an entry for this variant (Variation ID: 573944). Advanced modeling of protein sequence and biophysical properties (such as structural, functional, and spatial information, amino acid conservation, physicochemical variation, residue mobility, and thermodynamic stability) performed at Invitae indicates that this missense variant is not expected to disrupt DNAH1 protein function with a negative predictive value of 80%. In summary, the available evidence is currently insufficient to determine the role of this variant in disease. Therefore, it has been classified as a Variant of Uncertain Significance.

NM_015512.5(DNAH1):c.6971A>G (p.Asp2324Gly)

Gene: DNAH1 (dynein axonemal heavy chain 1; plus strand). Cytogenetic location: 3p21.1.
Variant type: single nucleotide variant.
Coding change: c.6971A>G on transcript NM_015512.5 (MANE Select); coding-DNA position 6971, A replaced by G.
Protein change: p.Asp2324Gly; replaces aspartic acid 2324 with glycine.
Molecular consequence: missense variant.
Genome position (GRCh38, 1-based): chr3:52,373,039, A>G. VCF-style: chr3-52373039-A-G. GRCh37 (hg19) VCF-style: chr3-52407055-A-G.
Other names: short protein forms D2324G.
Identifiers: ClinVar variation 573944 (VCV000573944.6), dbSNP rs1559544611, ClinGen allele CA353168291.